The following is an entry in ClinVar:

ClinVar aggregate classification (germline): Likely benign (0 of 4 stars; one submission).

Conditions:
SHANK1-related disorder. Also called: SHANK1-related condition.

Allele frequency attached by ClinVar (database versions not stated): ExAC 0.00003; gnomAD 0.00005; TOPMed 0.00005.
gnomAD v4.1: 30 of 1,613,630 alleles (0.0019%); highest among the groups gnomAD compares: Admixed American, 0.0083%; no homozygotes.

Submission:

PreventionGenetics, part of Exact Sciences
Classification: Likely benign for SHANK1-related condition. Last evaluated: 2019-04-05. Review status: no assertion criteria provided. Collection method: clinical testing. Allele origin: germline.
Comment: This variant is classified as likely benign based on ACMG/AMP sequence variant interpretation guidelines (Richards et al. 2015 PMID: 25741868, with internal and published modifications).

NM_016148.5(SHANK1):c.762C>T (p.Ala254=)

Gene: SHANK1 (SH3 and multiple ankyrin repeat domains 1; minus strand). Cytogenetic location: 19q13.33.
Variant type: single nucleotide variant.
Coding change: c.762C>T on transcript NM_016148.5 (MANE Select); coding-DNA position 762, C replaced by T.
Protein change: p.Ala254=; no amino-acid change (alanine 254 retained).
Molecular consequence: synonymous variant.
Genome position (GRCh38, 1-based): chr19:50,713,828, G>A on the plus strand (C>T on the coding strand, the complement: SHANK1 is on the minus strand). VCF-style: chr19-50713828-G-A. GRCh37 (hg19) VCF-style: chr19-51217085-G-A.
Identifiers: ClinVar variation 3047622 (VCV003047622.2), dbSNP rs748094229, ClinGen allele CA9602087.